The following is an entry in ClinVar:

ClinVar aggregate classification (germline): Likely benign. Review status: criteria provided, multiple submitters, no conflicts (2 of 4 stars). 5 submissions from 5 submitters: Likely benign (5). Last evaluated 2025-12-20.

Conditions:
Arrhythmogenic right ventricular cardiomyopathy (ARVD). Also called: Cardiomyopathy, ARVC; Arrhythmogenic right ventricular dysplasia; Arrhythmogenic cardiomyopathy; Arrhythmogenic Right Ventricular Cardiomyopathy (ARVC). Identifiers: Orphanet 247, MedGen C0349788, MeSH D019571, MONDO:0016587. Disease mechanism: loss of function. Inheritance: Various modes of inheritance.
Cardiomyopathy (CMYO). Also called: Cardiomyopathies. Identifiers: Orphanet 167848, MedGen C0878544, MONDO:0004994, HP:0001638. Inheritance: Various modes of inheritance.
Arrhythmogenic right ventricular dysplasia 10. Also called: Arrhythmogenic Right Ventricular Dysplasia/Cardiomyopathy10; Arrhythmogenic right ventricular dysplasia/cardiomyopathy, type 10; ARRHYTHMOGENIC RIGHT VENTRICULAR DYSPLASIA, FAMILIAL, 10. Identifiers: MedGen C1857777, MONDO:0012434, OMIM 610193.
Cardiovascular phenotype. Identifiers: MedGen CN230736.

Allele frequency attached by ClinVar (database versions not stated): gnomAD 0.00003; TOPMed 0.00003; gnomAD exomes 0.00005 and 0.00010; ExAC 0.00010; 1000 Genomes Project 30x 0.00016; 1000 Genomes Project 0.00020.
gnomAD v4.1: 75 of 1,614,156 alleles (0.0046%); highest among the groups gnomAD compares: South Asian, 0.026%; no homozygotes.

Submissions (5):

Labcorp Genetics (formerly Invitae), Labcorp
Classification: Likely benign for Arrhythmogenic right ventricular dysplasia 10. Last evaluated: 2025-12-20. Review status: criteria provided, single submitter. Criteria: Invitae Variant Classification Sherloc (09022015). Collection method: clinical testing. Allele origin: germline.

Blueprint Genetics
Classification: Likely benign. Last evaluated: 2024-11-13. Review status: criteria provided, single submitter. Criteria: ACMG Guidelines, 2015. Collection method: clinical testing. Allele origin: germline.

All of Us Research Program, National Institutes of Health
Classification: Likely benign for Arrhythmogenic right ventricular cardiomyopathy. Last evaluated: 2024-01-11. Review status: criteria provided, single submitter. Criteria: ACMG Guidelines, 2015. Collection method: clinical testing. Allele origin: germline. Inheritance: Autosomal dominant inheritance. Observed: 17 variant alleles, 17 heterozygotes.
Comment: This study involves interpretation of variants in research participants for the purpose of population health screening. Participant phenotype was not available at the time of variant classification. Additional details can be found in publication PMID: 35346344, PMCID: PMC8962531

Ambry Genetics
Classification: Likely benign for Cardiovascular phenotype. Last evaluated: 2022-08-14. Review status: criteria provided, single submitter. Criteria: Ambry Variant Classification Scheme 2023. Collection method: clinical testing. Allele origin: germline.

Color Diagnostics, LLC DBA Color Health
Classification: Likely benign for Cardiomyopathy. Last evaluated: 2018-11-08. Review status: criteria provided, single submitter. Criteria: ACMG Guidelines, 2015. Collection method: clinical testing. Allele origin: germline.

NM_001943.5(DSG2):c.1524C>T (p.His508=)

Gene: DSG2 (desmoglein 2; plus strand). Cytogenetic location: 18q12.1.
Variant type: single nucleotide variant.
Coding change: c.1524C>T on transcript NM_001943.5 (MANE Select); coding-DNA position 1524, C replaced by T.
Protein change: p.His508=; no amino-acid change (histidine 508 retained).
Molecular consequence: synonymous variant.
Genome position (GRCh38, 1-based): chr18:31,536,302, C>T. VCF-style: chr18-31536302-C-T. GRCh37 (hg19) VCF-style: chr18-29116265-C-T.
Identifiers: ClinVar variation 920684 (VCV000920684.22), dbSNP rs560004953, ClinGen allele CA042763.
Genomic context (GRCh38, chr18:31,536,302, plus strand): 5'-TGTTGAAGACATCAACGACAACTGTCCCACACTGATAGAGCCTGTGCAGACAATCTGTCA[C>T]GATGCAGAGTATGTGAATGTTACTGCAGAGGACCTGGATGGACACCCAAACAGTGGCCCT-3'
Protein context (NP_001934.2, residues 498-518): TLIEPVQTIC[His508=]DAEYVNVTAE